The following is an entry in ClinVar:

ClinVar aggregate classification (germline): Uncertain significance (1 of 4 stars; one submission).

Allele frequency attached by ClinVar (database versions not stated): ExAC 0.00002.
gnomAD v4.1: 3 of 1,612,634 alleles (0.00019%); highest among the groups gnomAD compares: Admixed American, 0.0033%; no homozygotes.

Submission:

Labcorp Genetics (formerly Invitae), Labcorp
Classification: Uncertain significance. Last evaluated: 2022-03-04. Review status: criteria provided, single submitter. Criteria: Invitae Variant Classification Sherloc (09022015). Collection method: clinical testing. Allele origin: germline.
Comment: This sequence change replaces tyrosine, which is neutral and polar, with histidine, which is basic and polar, at codon 350 of the SLC24A5 protein (p.Tyr350His). This variant is present in population databases (rs771414512, gnomAD 0.01%). This variant has not been reported in the literature in individuals affected with SLC24A5-related conditions. Algorithms developed to predict the effect of missense changes on protein structure and function (SIFT, PolyPhen-2, Align-GVGD) all suggest that this variant is likely to be disruptive. In summary, the available evidence is currently insufficient to determine the role of this variant in disease. Therefore, it has been classified as a Variant of Uncertain Significance.

NM_205850.3(SLC24A5):c.1048T>C (p.Tyr350His)

Genes: MYEF2 (myelin expression factor 2; minus strand), SLC24A5 (solute carrier family 24 member 5; plus strand). Cytogenetic location: 15q21.1.
Variant type: single nucleotide variant.
Coding change: c.1048T>C on transcript NM_205850.3 (MANE Select); coding-DNA position 1048, T replaced by C.
Protein change: p.Tyr350His; replaces tyrosine 350 with histidine.
Molecular consequence: missense variant. On other transcripts: 3 prime UTR variant (2).
Genome position (GRCh38, 1-based): chr15:48,139,145, T>C. VCF-style: chr15-48139145-T-C. GRCh37 (hg19) VCF-style: chr15-48431342-T-C.
Other names: c.*3763A>G (NM_001301210.2, NM_016132.5); short protein forms Y350H.
Identifiers: ClinVar variation 2175914 (VCV002175914.1), dbSNP rs771414512, ClinGen allele CA7546033.